The following is an entry in ClinVar:

NM_032861.4(SERAC1):c.1053C>T (p.Pro351=)

Gene: SERAC1 (serine active site containing 1; minus strand). Cytogenetic location: 6q25.3.
Variant type: single nucleotide variant.
Coding change: c.1053C>T on transcript NM_032861.4 (MANE Select); coding-DNA position 1053, C replaced by T.
Protein change: p.Pro351=; no amino-acid change (proline 351 retained).
Molecular consequence: synonymous variant. On other transcripts: non-coding transcript variant (1).
Genome position (GRCh38, 1-based): chr6:158,120,538, G>A on the plus strand (C>T on the coding strand, the complement: SERAC1 is on the minus strand). VCF-style: chr6-158120538-G-A. GRCh37 (hg19) VCF-style: chr6-158541570-G-A.
Identifiers: ClinVar variation 3045916 (VCV003045916.4), dbSNP rs1176294063, ClinGen allele CA452820773.

ClinVar aggregate classification (germline): Likely benign. Review status: criteria provided, single submitter (1 of 4 stars). 2 submissions from 2 submitters: Likely benign (1). 1 of the submissions does not count toward it. Last evaluated 2024-02-03.

Conditions:
SERAC1-related disorder. Also called: SERAC1-related disorders; SERAC1-related condition.
3-methylglutaconic aciduria with deafness, encephalopathy, and Leigh-like syndrome (MEGDEL). Also called: 3-METHYLGLUTACONIC ACIDURIA, TYPE VI; SERAC1 Deficiency; MEGDEL syndrome. Identifiers: Orphanet 352328, MedGen C4040739, MONDO:0013875, OMIM 614739.

Allele frequency attached by ClinVar (database versions not stated): gnomAD exomes below 0.00001; gnomAD 0.00001.
gnomAD v4.1: 6 of 1,613,778 alleles (0.00037%); highest among the groups gnomAD compares: East Asian, 0.0089%; no homozygotes.

Submissions (2):

Labcorp Genetics (formerly Invitae), Labcorp
Classification: Likely benign for 3-methylglutaconic aciduria with deafness, encephalopathy, and Leigh-like syndrome. Last evaluated: 2024-02-03. Review status: criteria provided, single submitter. Criteria: Invitae Variant Classification Sherloc (09022015). Collection method: clinical testing. Allele origin: germline.

PreventionGenetics, part of Exact Sciences
Classification: Likely benign for SERAC1-related condition. Last evaluated: 2023-05-08. Review status: no assertion criteria provided. Collection method: clinical testing. Allele origin: germline. Not counted in ClinVar's aggregate classification.
Comment: This variant is classified as likely benign based on ACMG/AMP sequence variant interpretation guidelines (Richards et al. 2015 PMID: 25741868, with internal and published modifications).